The following is an entry in ClinVar:

ClinVar aggregate classification (germline): Uncertain significance. Review status: criteria provided, multiple submitters, no conflicts (2 of 4 stars). 4 submissions from 4 submitters: Uncertain significance (4). Last evaluated 2024-04-17.

Conditions:
Aortic aneurysm, familial thoracic 4 (AAT4). Also called: AORTIC ANEURYSM/AORTIC DISSECTION AND PATENT DUCTUS ARTERIOSUS. Identifiers: MedGen C1851504, MONDO:0007568, OMIM 132900.
Familial thoracic aortic aneurysm and aortic dissection (TAAD). Also called: Thoracic aortic aneurysms and dissections. Identifiers: Orphanet 91387, MedGen C4707243, MONDO:0019625.

Allele frequency attached by ClinVar (database versions not stated): gnomAD exomes below 0.00001; gnomAD 0.00001; TOPMed 0.00001.
gnomAD v4.1: 4 of 1,613,996 alleles (0.00025%); highest among the groups gnomAD compares: African/African-American, 0.0027%; no homozygotes.

Submissions (4):

All of Us Research Program, National Institutes of Health
Classification: Uncertain significance for Familial thoracic aortic aneurysm and aortic dissection. Last evaluated: 2024-04-17. Review status: criteria provided, single submitter. Criteria: ACMG Guidelines, 2015. Collection method: clinical testing. Allele origin: germline. Inheritance: Autosomal dominant inheritance. Observed: 2 variant alleles, 2 heterozygotes.
Comment: This missense variant replaces threonine with alanine at codon 260 of the MYH11 protein. Computational prediction tools and conservation analyses are inconclusive regarding the impact of this variant on the protein function. Computational splicing tools suggest that this variant may not impact RNA splicing. To our knowledge, functional assays have not been performed for this variant nor has this variant been reported in individuals affected with cardiovascular disorders in the literature. This variant has not been identified in the general population by the Genome Aggregation Database (gnomAD). Available evidence is insufficient to determine the role of this variant in disease conclusively. Therefore, this variant is classified as a Variant of Uncertain Significance.

This study involves interpretation of variants in research participants for the purpose of population health screening. Participant phenotype was not available at the time of variant classification. Additional details can be found in publication PMID: 35346344, PMCID: PMC8962531

Color Diagnostics, LLC DBA Color Health
Classification: Uncertain significance for Familial thoracic aortic aneurysm and aortic dissection. Last evaluated: 2023-12-04. Review status: criteria provided, single submitter. Criteria: ACMG Guidelines, 2015. Collection method: clinical testing. Allele origin: germline.
Comment: This missense variant replaces threonine with alanine at codon 260 of the MYH11 protein. Computational prediction tools and conservation analyses are inconclusive regarding the impact of this variant on the protein function. Computational splicing tools suggest that this variant may not impact RNA splicing. To our knowledge, functional assays have not been performed for this variant nor has this variant been reported in individuals affected with cardiovascular disorders in the literature. This variant has not been identified in the general population by the Genome Aggregation Database (gnomAD). Available evidence is insufficient to determine the role of this variant in disease conclusively. Therefore, this variant is classified as a Variant of Uncertain Significance.

Labcorp Genetics (formerly Invitae), Labcorp
Classification: Uncertain significance for Aortic aneurysm, familial thoracic 4. Last evaluated: 2023-04-15. Review status: criteria provided, single submitter. Criteria: Invitae Variant Classification Sherloc (09022015). Collection method: clinical testing. Allele origin: germline.
Comment: This variant is not present in population databases (gnomAD no frequency). This sequence change replaces threonine, which is neutral and polar, with alanine, which is neutral and non-polar, at codon 260 of the MYH11 protein (p.Thr260Ala). This variant has not been reported in the literature in individuals affected with MYH11-related conditions. In summary, the available evidence is currently insufficient to determine the role of this variant in disease. Therefore, it has been classified as a Variant of Uncertain Significance. Advanced modeling of protein sequence and biophysical properties (such as structural, functional, and spatial information, amino acid conservation, physicochemical variation, residue mobility, and thermodynamic stability) performed at Invitae indicates that this missense variant is not expected to disrupt MYH11 protein function. ClinVar contains an entry for this variant (Variation ID: 922676).

Ambry Genetics
Classification: Uncertain significance for Familial thoracic aortic aneurysm and aortic dissection. Last evaluated: 2022-11-10. Review status: criteria provided, single submitter. Criteria: Ambry Variant Classification Scheme 2023. Collection method: clinical testing. Allele origin: germline.
Comment: The p.T253A variant (also known as c.757A>G), located in coding exon 6 of the MYH11 gene, results from an A to G substitution at nucleotide position 757. The threonine at codon 253 is replaced by alanine, an amino acid with similar properties. This amino acid position is conserved. In addition, this alteration is predicted to be tolerated by in silico analysis. Since supporting evidence is limited at this time, the clinical significance of this alteration remains unclear.

NM_002474.3(MYH11):c.757A>G (p.Thr253Ala)

Gene: MYH11 (myosin heavy chain 11; minus strand). Cytogenetic location: 16p13.11.
Variant type: single nucleotide variant.
Coding change: c.757A>G on transcript NM_002474.3 (MANE Select); coding-DNA position 757, A replaced by G.
Protein change: p.Thr253Ala; replaces threonine 253 with alanine.
Molecular consequence: missense variant.
Genome position (GRCh38, 1-based): chr16:15,778,813, T>C on the plus strand (A>G on the coding strand, the complement: MYH11 is on the minus strand). VCF-style: chr16-15778813-T-C. GRCh37 (hg19) VCF-style: chr16-15872670-T-C.
Other names: c.778A>G, p.Thr260Ala (NM_001040113.2, NM_001040114.2); c.757A>G, p.Thr253Ala (NM_022844.3); c.757A>G (NM_002474.2); short protein forms T253A, T260A.
Identifiers: ClinVar variation 922676 (VCV000922676.13), dbSNP rs1596822713, ClinGen allele CA394870096.
Genomic context (GRCh38, chr16:15,778,813, plus strand): 5'-TTTGGCCCAGGCTCAGGGAAAGGATACAGGTCTCAATGTTGGCTCCCACGATGTAACCCG[T>C]GACGTCGAAGTTGATGCGGATGAATTTGCCCTGCCAACAGGAAAACACAGTTCAGGCTTT-3'
Protein context (NP_002465.1, residues 243-263): GKFIRINFDV[Thr253Ala]GYIVGANIET